The following is an entry in ClinVar:

NM_024306.5(FA2H):c.977G>T (p.Gly326Val)

Gene: FA2H (fatty acid 2-hydroxylase; minus strand). Cytogenetic location: 16q23.1.
Variant type: single nucleotide variant.
Coding change: c.977G>T on transcript NM_024306.5 (MANE Select); coding-DNA position 977, G replaced by T.
Protein change: p.Gly326Val; replaces glycine 326 with valine.
Molecular consequence: missense variant.
Genome position (GRCh38, 1-based): chr16:74,716,409, C>A on the plus strand (G>T on the coding strand, the complement: FA2H is on the minus strand). VCF-style: chr16-74716409-C-A. GRCh37 (hg19) VCF-style: chr16-74750307-C-A.
Other names: c.977G>T (NM_024306.4); short protein forms G326V.
Identifiers: ClinVar variation 2780414 (VCV002780414.4), dbSNP rs139459274, ClinGen allele CA283758359.

ClinVar aggregate classification (germline): Uncertain significance. Review status: criteria provided, multiple submitters, no conflicts (2 of 4 stars). 2 submissions from 2 submitters: Uncertain significance (2). Last evaluated 2025-04-22.

Conditions:
Spastic paraplegia. Identifiers: MedGen C0037772, HP:0001258.

Allele frequency attached by ClinVar (database versions not stated): gnomAD exomes below 0.00001; TOPMed 0.00001; ESP Exome Variant Server 0.00008.
gnomAD v4.1: 1 of 1,614,034 alleles (0.000062%); highest among the groups gnomAD compares: African/African-American, 0.0013%; no homozygotes.

Submissions (2):

GeneDx
Classification: Uncertain significance. Last evaluated: 2025-04-22. Review status: criteria provided, single submitter. Criteria: GeneDx Variant Classification Process June 2021. Collection method: clinical testing. Allele origin: germline. Affected: yes.
Comment: Not observed at significant frequency in large population cohorts (gnomAD); In silico analysis supports that this missense variant has a deleterious effect on protein structure/function; Has not been previously published as pathogenic or benign to our knowledge; This variant is associated with the following publications: (PMID: 24359114)

Labcorp Genetics (formerly Invitae), Labcorp
Classification: Uncertain significance for Spastic paraplegia. Last evaluated: 2024-04-27. Review status: criteria provided, single submitter. Criteria: Invitae Variant Classification Sherloc (09022015). Collection method: clinical testing. Allele origin: germline.
Comment: This sequence change replaces glycine, which is neutral and non-polar, with valine, which is neutral and non-polar, at codon 326 of the FA2H protein (p.Gly326Val). This variant is present in population databases (rs139459274, gnomAD 0.007%). This variant has not been reported in the literature in individuals affected with FA2H-related conditions. Advanced modeling of protein sequence and biophysical properties (such as structural, functional, and spatial information, amino acid conservation, physicochemical variation, residue mobility, and thermodynamic stability) performed at Invitae indicates that this missense variant is not expected to disrupt FA2H protein function with a negative predictive value of 80%. In summary, the available evidence is currently insufficient to determine the role of this variant in disease. Therefore, it has been classified as a Variant of Uncertain Significance.